The following is an entry in ClinVar:

NM_001166114.2(PNPLA6):c.1428G>C (p.Glu476Asp)

Gene: PNPLA6 (patatin like domain 6, lysophospholipase; plus strand). Cytogenetic location: 19p13.2.
Variant type: single nucleotide variant.
Coding change: c.1428G>C on transcript NM_001166114.2 (MANE Select); coding-DNA position 1428, G replaced by C.
Protein change: p.Glu476Asp; replaces glutamic acid 476 with aspartic acid.
Molecular consequence: missense variant.
Genome position (GRCh38, 1-based): chr19:7,542,826, G>C. VCF-style: chr19-7542826-G-C. GRCh37 (hg19) VCF-style: chr19-7607712-G-C.
Other names: c.1455G>C, p.Glu485Asp (NM_001166111.2); c.1311G>C, p.Glu437Asp (NM_001166112.2, NM_001166113.1, NM_006702.5); short protein forms E437D, E485D, E476D.
Identifiers: ClinVar variation 448095 (VCV000448095.6), dbSNP rs1555745911, ClinGen allele CA403113279.

ClinVar aggregate classification (germline): Uncertain significance. Review status: criteria provided, multiple submitters, no conflicts (2 of 4 stars). 2 submissions from 2 submitters: Uncertain significance (2). Last evaluated 2021-08-05.

Conditions:
Hereditary spastic paraplegia 39 (SPG39). Also called: Spastic Paraplegia Type 39 (SPG39); SPASTIC PARAPLEGIA 39, AUTOSOMAL RECESSIVE. Identifiers: Orphanet 139480, MedGen C2677586, MONDO:0012787, OMIM 612020.

Submissions (2):

Labcorp Genetics (formerly Invitae), Labcorp
Classification: Uncertain significance for Hereditary spastic paraplegia 39. Last evaluated: 2021-08-05. Review status: criteria provided, single submitter. Criteria: Invitae Variant Classification Sherloc (09022015). Collection method: clinical testing. Allele origin: germline.
Comment: This sequence change replaces glutamic acid with aspartic acid at codon 437 of the PNPLA6 protein (p.Glu437Asp). The glutamic acid residue is moderately conserved and there is a small physicochemical difference between glutamic acid and aspartic acid. In summary, the available evidence is currently insufficient to determine the role of this variant in disease. Therefore, it has been classified as a Variant of Uncertain Significance. Algorithms developed to predict the effect of missense changes on protein structure and function (SIFT, PolyPhen-2, Align-GVGD) all suggest that this variant is likely to be tolerated. ClinVar contains an entry for this variant (Variation ID: 448095). This missense change has been observed in individual(s) with clinical features of hereditary spastic paraplegia (Invitae). This variant is not present in population databases (ExAC no frequency).

Athena Diagnostics
Classification: Uncertain significance. Last evaluated: 2017-05-12. Review status: criteria provided, single submitter. Criteria: Athena Diagnostics Criteria. Collection method: clinical testing. Allele origin: germline.